The following is an entry in ClinVar:

NM_001374828.1(ARID1B):c.368C>T (p.Ser123Phe)

Genes: ARID1B (AT-rich interaction domain 1B; plus strand), LOC115308161 (uncharacterized LOC115308161; minus strand). Cytogenetic location: 6q25.3.
Variant type: single nucleotide variant.
Coding change: c.368C>T on transcript NM_001374828.1 (MANE Select); coding-DNA position 368, C replaced by T.
Protein change: p.Ser123Phe; replaces serine 123 with phenylalanine.
Molecular consequence: missense variant.
Genome position (GRCh38, 1-based): chr6:156,778,048, C>T. VCF-style: chr6-156778048-C-T. GRCh37 (hg19) VCF-style: chr6-157099182-C-T.
Other names: c.119C>T, p.Ser40Phe (NM_001346813.1, NM_020732.3); c.368C>T, p.Ser123Phe (NM_001371656.1, NM_001374820.1, NM_017519.3); c.-56C>T (NM_175863.2); short protein forms S40F, S123F.
Identifiers: ClinVar variation 2696725 (VCV002696725.4), dbSNP rs1210872756, ClinGen allele CA366381171.

ClinVar aggregate classification (germline): Benign. Review status: criteria provided, single submitter (1 of 4 stars). 2 submissions from 2 submitters: Benign (1). 1 of the submissions does not count toward it. Last evaluated 2024-08-12.

Conditions:
ARID1B-Related Disorder. Identifiers: MedGen CN381337.

gnomAD v4.1: 3 of 1,537,000 alleles (0.0002%); highest among the groups gnomAD compares: South Asian, 0.0012%; no homozygotes.

Submissions (2):

Labcorp Genetics (formerly Invitae), Labcorp
Classification: Benign. Last evaluated: 2024-08-12. Review status: criteria provided, single submitter. Criteria: Invitae Variant Classification Sherloc (09022015). Collection method: clinical testing. Allele origin: germline.

PreventionGenetics, part of Exact Sciences
Classification: Uncertain significance for ARID1B-related condition. Last evaluated: 2024-07-09. Review status: no assertion criteria provided. Collection method: clinical testing. Allele origin: germline. Not counted in ClinVar's aggregate classification.
Comment: The ARID1B c.119C>T variant is predicted to result in the amino acid substitution p.Ser40Phe. To our knowledge, this variant has not been reported in the literature. This variant is reported in 0.0044% of alleles in individuals of South Asian descent in gnomAD. At this time, the clinical significance of this variant is uncertain due to the absence of conclusive functional and genetic evidence.